The following is an entry in ClinVar:

ClinVar aggregate classification (germline): Uncertain significance (1 of 4 stars; one submission).

Conditions:
Pierson syndrome. Also called: MICROCORIA-CONGENITAL NEPHROTIC SYNDROME. Identifiers: Orphanet 2670, MedGen C1836876, MONDO:0012184, OMIM 609049.
LAMB2-related infantile-onset nephrotic syndrome. Also called: Nephrotic Syndrome, type 5; NEPHROTIC SYNDROME, TYPE 5, WITHOUT OCULAR ABNORMALITIES; NEPHROTIC SYNDROME, TYPE 5, WITH OCULAR ABNORMALITIES. Identifiers: Orphanet 306507, MedGen C3280113, MONDO:0013621, OMIM 614199.

Allele frequency attached by ClinVar (database versions not stated): gnomAD exomes below 0.00001; gnomAD 0.00003.
gnomAD v4.1: 6 of 1,614,070 alleles (0.00037%); highest among the groups gnomAD compares: Non-Finnish European, 0.00051%; no homozygotes.

Submission:

Labcorp Genetics (formerly Invitae), Labcorp
Classification: Uncertain significance for LAMB2-related infantile-onset nephrotic syndrome; Pierson syndrome. Last evaluated: 2025-10-02. Review status: criteria provided, single submitter. Criteria: Invitae Variant Classification Sherloc (09022015). Collection method: clinical testing. Allele origin: germline.
Comment: This sequence change replaces glutamic acid, which is acidic and polar, with valine, which is neutral and non-polar, at codon 1015 of the LAMB2 protein (p.Glu1015Val). This variant is present in population databases (no rsID available, gnomAD 0.03%). This variant has not been reported in the literature in individuals affected with LAMB2-related conditions. ClinVar contains an entry for this variant (Variation ID: 1046864). An algorithm developed to predict the effect of missense changes on protein structure and function (PolyPhen-2) suggests that this variant is likely to be disruptive. In summary, the available evidence is currently insufficient to determine the role of this variant in disease. Therefore, it has been classified as a Variant of Uncertain Significance.

NM_002292.4(LAMB2):c.3044A>T (p.Glu1015Val)

Gene: LAMB2 (laminin subunit beta 2; minus strand). Cytogenetic location: 3p21.31.
Variant type: single nucleotide variant.
Coding change: c.3044A>T on transcript NM_002292.4 (MANE Select); coding-DNA position 3044, A replaced by T.
Protein change: p.Glu1015Val; replaces glutamic acid 1015 with valine.
Molecular consequence: missense variant.
Genome position (GRCh38, 1-based): chr3:49,124,766, T>A on the plus strand (A>T on the coding strand, the complement: LAMB2 is on the minus strand). VCF-style: chr3-49124766-T-A. GRCh37 (hg19) VCF-style: chr3-49162199-T-A.
Other names: short protein forms E1015V.
Identifiers: ClinVar variation 1046864 (VCV001046864.5), dbSNP rs1269838719, ClinGen allele CA352713613.